The following is an entry in ClinVar:

ClinVar aggregate classification (germline): Conflicting classifications of pathogenicity. Review status: criteria provided, conflicting classifications (1 of 4 stars). 5 submissions from 5 submitters: Pathogenic (2); Likely pathogenic (2); Uncertain significance (1). Last evaluated 2025-10-23.

Conditions:
Sideroblastic anemia 2. Also called: Anemia, sideroblastic, 2, pyridoxine-refractory. Identifiers: Orphanet 260305, MedGen C4225425, MONDO:0008785, OMIM 205950.
SLC25A38-related disorder. Also called: SLC25A38-related disorders; SLC25A38-related condition.

gnomAD v4.1: 8 of 1,614,086 alleles (0.0005%); highest among the groups gnomAD compares: East Asian, 0.0022%; no homozygotes.

Submissions (5):

3billion
Classification: Likely pathogenic for Sideroblastic anemia 2. Last evaluated: 2025-10-23. Review status: criteria provided, single submitter. Criteria: ACMG Guidelines, 2015. Collection method: clinical testing. Allele origin: germline. Affected: yes.
Comment: The variant is observed at an extremely low frequency in the gnomAD v4.1.0 dataset (total allele frequency: <0.001%). Predicted Consequence/Location: Missense variant In silico tool predictions suggest damaging effect of the variant on gene or gene product [REVEL: 0.81 (>=0.6, sensitivity 0.68 and specificity 0.92); 3Cnet: 0.94 (> 0.75, sensitivity 0.96 and precision 0.92)]. The same nucleotide change resulting in the same amino acid change has been previously reported to be associated with SLC25A38-related disorder (ClinVar ID: VCV001172486 /PMID: 21393332). A different missense change at the same codon (p.Arg187Pro) has been reported as pathogenic/likely pathogenic with strong evidence (ClinVar ID: VCV000001120 /PMID: 19412178). Therefore, this variant is classified as Likely pathogenic according to the recommendation of ACMG/AMP guideline.

PreventionGenetics, part of Exact Sciences
Classification: Likely pathogenic for SLC25A38-related condition. Last evaluated: 2024-12-26. Review status: criteria provided, single submitter. Criteria: ACMG Guidelines, 2015. Collection method: clinical testing. Allele origin: germline.
Comment: The SLC25A38 c.560G>A variant is predicted to result in the amino acid substitution p.Arg187Gln. This variant has been reported in the compound heterozygous and homozygous states in two individuals with SLC25A38-related disease (Kannengiesser et al. 2011. PubMed ID: 21393332; Ravindra et al. 2020. PubMed ID: 32605921). In addition, a different missense variant affecting the same amino acid has also been associated with disease (Guernsey. 2009. PubMed ID: 19412178). This variant is reported in 0.0054% of alleles in individuals of East Asian descent in gnomAD. This variant is interpreted as likely pathogenic.

Labcorp Genetics (formerly Invitae), Labcorp
Classification: Uncertain significance. Last evaluated: 2024-07-10. Review status: criteria provided, single submitter. Criteria: Invitae Variant Classification Sherloc (09022015). Collection method: clinical testing. Allele origin: germline.
Comment: This sequence change replaces arginine, which is basic and polar, with glutamine, which is neutral and polar, at codon 187 of the SLC25A38 protein (p.Arg187Gln). This variant is present in population databases (no rsID available, gnomAD 0.006%). This missense change has been observed in individual(s) with congenital sideroblastic anemia (PMID: 21393332, 25985931, 31642437, 32605921, 32790119, 34298585). ClinVar contains an entry for this variant (Variation ID: 1172486). Advanced modeling of protein sequence and biophysical properties (such as structural, functional, and spatial information, amino acid conservation, physicochemical variation, residue mobility, and thermodynamic stability) performed at Invitae indicates that this missense variant is expected to disrupt SLC25A38 protein function with a positive predictive value of 80%. In summary, the available evidence is currently insufficient to determine the role of this variant in disease. Therefore, it has been classified as a Variant of Uncertain Significance.

Blueprint Genetics
Classification: Pathogenic for SLC25A38-related disorders. Last evaluated: 2023-12-22. Review status: criteria provided, single submitter. Criteria: ACMG Guidelines, 2015. Collection method: clinical testing. Allele origin: germline. Affected: yes. Observed: 4 variant alleles.

Mark Fleming Laboratory, Boston Children's Hospital
Classification: Pathogenic for Sideroblastic anemia 2. Last evaluated: 2021-06-01. Review status: criteria provided, single submitter. Criteria: ACMG Guidelines, 2015. Collection method: research. Allele origin: germline. Affected: yes.

Literature cited by the submitters: PubMed 19412178 (cited by 3billion); PubMed 21393332 (cited by 3 submitters); PubMed 25985931 (cited by Labcorp Genetics (formerly Invitae), Labcorp and Mark Fleming Laboratory, Boston Children's Hospital); PubMed 31642437 (cited by Labcorp Genetics (formerly Invitae), Labcorp and Mark Fleming Laboratory, Boston Children's Hospital); PubMed 32605921 (cited by Labcorp Genetics (formerly Invitae), Labcorp and Mark Fleming Laboratory, Boston Children's Hospital); PubMed 32790119 (cited by Labcorp Genetics (formerly Invitae), Labcorp and Mark Fleming Laboratory, Boston Children's Hospital); PubMed 34298585 (cited by Labcorp Genetics (formerly Invitae), Labcorp).

NM_017875.4(SLC25A38):c.560G>A (p.Arg187Gln)

Gene: SLC25A38 (solute carrier family 25 member 38; plus strand). Cytogenetic location: 3p22.1.
Variant type: single nucleotide variant.
Coding change: c.560G>A on transcript NM_017875.4 (MANE Select); coding-DNA position 560, G replaced by A.
Protein change: p.Arg187Gln; replaces arginine 187 with glutamine.
Molecular consequence: missense variant.
Genome position (GRCh38, 1-based): chr3:39,391,956, G>A. VCF-style: chr3-39391956-G-A. GRCh37 (hg19) VCF-style: chr3-39433447-G-A.
Other names: c.560G>A, p.Arg187Gln (NM_001354798.2); c.560G>A (NM_017875.2); short protein forms R187Q.
Identifiers: ClinVar variation 1172486 (VCV001172486.7), dbSNP rs121918331, ClinGen allele CA352203585.